The following is an entry in ClinVar:

NM_001193315.2(VIPAS39):c.344-2A>G

Gene: VIPAS39 (VPS33B interacting protein, apical-basolateral polarity regulator, spe-39 homolog; minus strand). Cytogenetic location: 14q24.3.
Variant type: single nucleotide variant.
Coding change: c.344-2A>G on transcript NM_001193315.2 (MANE Select); the canonical splice acceptor site of the intron before coding-DNA position 344, A replaced by G.
Molecular consequence: splice acceptor variant.
Genome position (GRCh38, 1-based): chr14:77,449,754, T>C on the plus strand (A>G on the coding strand, the complement: VIPAS39 is on the minus strand). VCF-style: chr14-77449754-T-C. GRCh37 (hg19) VCF-style: chr14-77916097-T-C.
Other names: c.197-2A>G (NM_001400337.1, NM_001193316.2, NM_001400324.1 and 1 more transcripts); c.344-2A>G (NM_001400333.1, NM_001400327.1, NM_001400338.1 and 11 more transcripts).
Identifiers: ClinVar variation 4292097 (VCV004292097.1).
Genomic context (GRCh38, chr14:77,449,754, plus strand): 5'-AAAGAGGGTTCAATGCCTACCATCAGAAAGGGACTGGAAACTTCCAGGTCTAGTTCTACC[T>C]AAAGGTAAAGAACACAAGAGGGAAAAGGTCAACAGTTTCAATCAGAGCCATCCAGGCTTG-3'

ClinVar aggregate classification (germline): Pathogenic (1 of 4 stars; one submission).

Conditions:
Arthrogryposis, renal dysfunction, and cholestasis 2 (ARCS2). Identifiers: Orphanet 2697, MedGen C3150672, MONDO:0013255, OMIM 613404.

gnomAD v4.1: 1 of 1,614,082 alleles (0.000062%); highest among the groups gnomAD compares: African/African-American, 0.0013%; no homozygotes.

Submission:

3billion
Classification: Pathogenic for Arthrogryposis, renal dysfunction, and cholestasis 2. Last evaluated: 2025-02-04. Review status: criteria provided, single submitter. Criteria: ACMG Guidelines, 2015. Collection method: clinical testing. Allele origin: germline. Affected: yes.
Comment: The variant is observed at an extremely low frequency in the gnomAD v4.1.0 dataset (total allele frequency: <0.001%). Predicted Consequence/Location: Canonical splice site: predicted to alter splicing and result in a loss or disruption of normal protein function. Multiple pathogenic loss-of-function variants are reported downstream of the variant. In silico tools predict the variant to alter splicing and produce an abnormal transcript [SpliceAI: 0.97 (spliceogenicity >=0.2, non-spliceogenicity <0.1)]. The variant has been reported to be associated with VIPAS39-related disorder (3billion dataset). Therefore, this variant is classified as Pathogenic according to the recommendation of ACMG/AMP guideline.